The following is an entry in ClinVar:

ClinVar aggregate classification (germline): Uncertain significance (1 of 4 stars; one submission).

Conditions:
Hereditary spastic paraplegia 48. Also called: SPASTIC PARAPLEGIA 48, AUTOSOMAL RECESSIVE; Spastic paraplegia 48. Identifiers: Orphanet 306511, MedGen C3150901, MONDO:0013342, OMIM 613647.

Submission:

Labcorp Genetics (formerly Invitae), Labcorp
Classification: Uncertain significance for Hereditary spastic paraplegia 48. Last evaluated: 2025-08-13. Review status: criteria provided, single submitter. Criteria: Invitae Variant Classification Sherloc (09022015). Collection method: clinical testing. Allele origin: germline.
Comment: This variant, c.1611_1613del, results in the deletion of 1 amino acid(s) of the AP5Z1 protein (p.His537del), but otherwise preserves the integrity of the reading frame. This variant is present in population databases (rs752652836, gnomAD 0.04%). This variant has not been reported in the literature in individuals affected with AP5Z1-related conditions. Experimental studies and prediction algorithms are not available or were not evaluated, and the functional significance of this variant is currently unknown. In summary, the available evidence is currently insufficient to determine the role of this variant in disease. Therefore, it has been classified as a Variant of Uncertain Significance.

NM_014855.3(AP5Z1):c.1608CCA[1] (p.His537del)

Gene: AP5Z1 (adaptor related protein complex 5 subunit zeta 1; plus strand). Cytogenetic location: 7p22.1.
Variant type: Microsatellite.
Coding change: c.1608CCA[1] on transcript NM_014855.3 (MANE Select); one copy of the 3-base unit CCA starting at c.1608; the reference has two copies in a row; one copy, 3 bases deleted.
Protein change: p.His537del; deletes histidine 537.
Molecular consequence: non-coding transcript variant (on NR_157345.1).
Genome position (GRCh38, 1-based): chr7:4,788,855-4,788,857, CCA deleted; deleting any 3 consecutive bases within chr7:4,788,852-4,788,857 gives the same sequence; the position shown is the placement nearest the transcript's 3' end. VCF-style (leftmost placement, unchanged base first): chr7-4788851-TCCA-T. GRCh37 (hg19) VCF-style: chr7-4828482-TCCA-T.
Other names: c.1140CCA[1], p.His381del (NM_001364858.1); short protein forms H381del, H537del.
Identifiers: ClinVar variation 4804952 (VCV004804952.1).
Genomic context (GRCh38, chr7:4,788,851, plus strand): 5'-TCACCAGGTCGGGGAGCGGGCAGCACTCACGGCCACACTGTGTCCTCAGGTTGGCGCCAC[TCCA>T]CCAGCTGCTGCAGCCCATGGCCGGCTGTGCCCGCGTGGCCCAGTGTGCCCAGGCCGTGCC-3'